The following is an entry in ClinVar:

NM_000051.4(ATM):c.3241A>C (p.Asn1081His)

Gene: ATM (ATM serine/threonine kinase; plus strand). Cytogenetic location: 11q22.3.
Variant type: single nucleotide variant.
Coding change: c.3241A>C on transcript NM_000051.4 (MANE Select); coding-DNA position 3241, A replaced by C.
Protein change: p.Asn1081His; replaces asparagine 1081 with histidine.
Molecular consequence: missense variant.
Genome position (GRCh38, 1-based): chr11:108,272,809, A>C. VCF-style: chr11-108272809-A-C. GRCh37 (hg19) VCF-style: chr11-108143536-A-C.
Other names: c.3241A>C, p.Asn1081His (NM_001351834.2); short protein forms N1081H.
Identifiers: ClinVar variation 1523726 (VCV001523726.8), dbSNP rs2081666605, ClinGen allele CA382515989.

ClinVar aggregate classification (germline): Uncertain significance (1 of 4 stars; one submission).

Conditions:
Ataxia-telangiectasia syndrome (AT). Also called: Ataxia-telangiectasia, complementation group E; Cerebello-oculocutaneous telangiectasia; Immunodeficiency with ataxia telangiectasia; ATAXIA-TELANGIECTASIA, COMPLEMENTATION GROUP A; ATAXIA-TELANGIECTASIA, FRESNO VARIANT; Ataxia-telangiectasia, complementation group D. Identifiers: Orphanet 100, MedGen C0004135, MONDO:0008840, OMIM 208900.

Submission:

Labcorp Genetics (formerly Invitae), Labcorp
Classification: Uncertain significance for Ataxia-telangiectasia syndrome. Last evaluated: 2022-08-23. Review status: criteria provided, single submitter. Criteria: Invitae Variant Classification Sherloc (09022015). Collection method: clinical testing. Allele origin: germline.
Comment: In summary, the available evidence is currently insufficient to determine the role of this variant in disease. Therefore, it has been classified as a Variant of Uncertain Significance. Advanced modeling of protein sequence and biophysical properties (such as structural, functional, and spatial information, amino acid conservation, physicochemical variation, residue mobility, and thermodynamic stability) performed at Invitae indicates that this missense variant is not expected to disrupt ATM protein function. ClinVar contains an entry for this variant (Variation ID: 1523726). This variant has not been reported in the literature in individuals affected with ATM-related conditions. This variant is not present in population databases (gnomAD no frequency). This sequence change replaces asparagine, which is neutral and polar, with histidine, which is basic and polar, at codon 1081 of the ATM protein (p.Asn1081His).